The following is an entry in ClinVar:

ClinVar aggregate classification (germline): Pathogenic (1 of 4 stars; one submission).

Conditions:
Inborn genetic diseases. Identifiers: MedGen C0950123, MeSH D030342.

Submission:

Ambry Genetics
Classification: Pathogenic for Inborn genetic diseases. Last evaluated: 2025-05-07. Review status: criteria provided, single submitter. Criteria: Ambry Variant Classification Scheme 2023. Collection method: clinical testing. Allele origin: germline.
Comment: The c.5051+1delG intronic variant results from a deletion of one nucleotide at position 1 after coding exon 26 of the CHD8 gene. Alterations that disrupt the canonical splice site are expected to cause aberrant splicing, resulting in an abnormal protein or a transcript that is subject to nonsense-mediated mRNA decay. This variant was not reported in population-based cohorts in the Genome Aggregation Database (gnomAD). Other variant(s) impacting the same donor site (c.5051+1G>C, c.5051+2T>A) have been identified in individual(s) with features consistent with CHD8-related neurodevelopmental disorder (O'Roak, 2014; Tatton-Brown, 2017; Yuen, 2017). This nucleotide position is highly conserved in available vertebrate species. In silico splice site analysis predicts that this alteration will weaken the native splice donor site and will result in the creation or strengthening of a novel splice donor site. Based on the available evidence, this alteration is classified as pathogenic.

Literature cited by the submitters: PubMed 25418537; PubMed 28263302; PubMed 28475857.

NM_001170629.2(CHD8):c.5051+1del

Gene: CHD8 (chromodomain helicase DNA binding protein 8; minus strand). Cytogenetic location: 14q11.2.
Variant type: Deletion.
Coding change: c.5051+1del on transcript NM_001170629.2 (MANE Select); the canonical splice donor site of the intron after coding-DNA position 5051, one base deleted (G; older notation c.5051+1delG).
Molecular consequence: splice donor variant.
Genome position (GRCh38, 1-based): chr14:21,397,822, C deleted on the plus strand (G on the coding strand, the reverse complement: CHD8 is on the minus strand); the first of 3 consecutive C bases (chr14:21,397,822-21,397,824); deleting any one gives the same sequence. VCF-style (leftmost placement, unchanged base first): chr14-21397821-AC-A. GRCh37 (hg19) VCF-style: chr14-21865980-AC-A.
Other names: c.4214+1del (NM_020920.4).
Identifiers: ClinVar variation 4002178 (VCV004002178.1).